The following is an entry in ClinVar:

NM_017654.4(SAMD9):c.2494A>T (p.Ile832Phe)

Gene: SAMD9 (sterile alpha motif domain containing 9; minus strand). Cytogenetic location: 7q21.2.
Variant type: single nucleotide variant.
Coding change: c.2494A>T on transcript NM_017654.4 (MANE Select); coding-DNA position 2494, A replaced by T.
Protein change: p.Ile832Phe; replaces isoleucine 832 with phenylalanine.
Molecular consequence: missense variant.
Genome position (GRCh38, 1-based): chr7:93,103,604, T>A on the plus strand (A>T on the coding strand, the complement: SAMD9 is on the minus strand). VCF-style: chr7-93103604-T-A. GRCh37 (hg19) VCF-style: chr7-92732917-T-A.
Other names: c.2494A>T, p.Ile832Phe (NM_001193307.2); short protein forms I832F.
Identifiers: ClinVar variation 3436997 (VCV003436997.1).

ClinVar aggregate classification (germline): Uncertain significance (1 of 4 stars; one submission).

Conditions:
Inborn genetic diseases. Identifiers: MedGen C0950123, MeSH D030342.

gnomAD v4.1: 2 of 1,613,516 alleles (0.00012%); highest among the groups gnomAD compares: Non-Finnish European, 0.00017%; no homozygotes.

Submission:

Ambry Genetics
Classification: Uncertain significance for Inborn genetic diseases. Last evaluated: 2024-10-05. Review status: criteria provided, single submitter. Criteria: Ambry Variant Classification Scheme 2023. Collection method: clinical testing. Allele origin: germline.
Comment: The p.I832F variant (also known as c.2494A>T), located in coding exon 1 of the SAMD9 gene, results from an A to T substitution at nucleotide position 2494. The isoleucine at codon 832 is replaced by phenylalanine, an amino acid with highly similar properties. This amino acid position is conserved. In addition, the in silico prediction for this alteration is inconclusive. Based on the available evidence, the clinical significance of this variant remains unclear.